The following is an entry in ClinVar:

ClinVar aggregate classification (germline): Uncertain significance. Review status: criteria provided, multiple submitters, no conflicts (2 of 4 stars). 2 submissions from 2 submitters: Uncertain significance (2). Last evaluated 2025-12-10.

Conditions:
Inborn genetic diseases. Identifiers: MedGen C0950123, MeSH D030342.

Allele frequency attached by ClinVar (database versions not stated): ExAC 0.00003; ESP Exome Variant Server 0.00008; 1000 Genomes Project 30x 0.00016.

Submissions (2):

Ambry Genetics
Classification: Uncertain significance for Inborn genetic diseases. Last evaluated: 2025-12-10. Review status: criteria provided, single submitter. Criteria: Ambry Variant Classification Scheme 2023. Collection method: clinical testing. Allele origin: germline.

GeneDx
Classification: Uncertain significance. Last evaluated: 2023-04-22. Review status: criteria provided, single submitter. Criteria: GeneDx Variant Classification Process June 2021. Collection method: clinical testing. Allele origin: germline. Affected: yes.
Comment: In silico analysis supports that this missense variant has a deleterious effect on protein structure/function; Has not been previously published as pathogenic or benign to our knowledge; Variants in candidate genes are classified as variants of uncertain significance in accordance with ACMG guidelines (Richards et al., 2015)

NM_005560.6(LAMA5):c.928G>A (p.Asp310Asn)

Gene: LAMA5 (laminin subunit alpha 5; minus strand). Cytogenetic location: 20q13.33.
Variant type: single nucleotide variant.
Coding change: c.928G>A on transcript NM_005560.6 (MANE Select); coding-DNA position 928, G replaced by A.
Protein change: p.Asp310Asn; replaces aspartic acid 310 with asparagine.
Molecular consequence: missense variant.
Genome position (GRCh38, 1-based): chr20:62,351,732, C>T on the plus strand (G>A on the coding strand, the complement: LAMA5 is on the minus strand). VCF-style: chr20-62351732-C-T. GRCh37 (hg19) VCF-style: chr20-60926788-C-T.
Other names: short protein forms D310N.
Identifiers: ClinVar variation 2391829 (VCV002391829.4), dbSNP rs370325282, ClinGen allele CA9944219.
Genomic context (GRCh38, chr20:62,351,732, plus strand): 5'-CTGAACGGGGCCTCACCTGAATGGGGCCTCACCTGAACGGGTCCGTGGGGTCTTTGGCAT[C>T]GCAGGCATCCGCGTGGCCGTGGCAGACACAGCGGCCTCCGATGCTGATATCCTTGATGCT-3'
Protein context (NP_005551.3, residues 300-320): CVCHGHADAC[Asp310Asn]AKDPTDPFRL